The following is an entry in ClinVar:

ClinVar aggregate classification (germline): Likely benign. Review status: criteria provided, multiple submitters, no conflicts (2 of 4 stars). 2 submissions from 2 submitters: Likely benign (2). Last evaluated 2025-04-10.

Conditions:
PHIP-related disorder. Also called: PHIP-related condition; PHIP-related disorders.

Allele frequency attached by ClinVar (database versions not stated): gnomAD exomes 0.00002.
gnomAD v4.1: 31 of 1,612,314 alleles (0.0019%); highest among the groups gnomAD compares: Non-Finnish European, 0.0025%; no homozygotes.

Submissions (2):

PreventionGenetics, part of Exact Sciences
Classification: Likely benign for PHIP-related condition. Last evaluated: 2025-04-10. Review status: criteria provided, single submitter. Criteria: ACMG Guidelines, 2015. Collection method: clinical testing. Allele origin: germline.
Comment: This variant is classified as likely benign based on ACMG/AMP sequence variant interpretation guidelines (Richards et al. 2015 PMID: 25741868, with internal and published modifications).

Labcorp Genetics (formerly Invitae), Labcorp
Classification: Likely benign. Last evaluated: 2025-03-17. Review status: criteria provided, single submitter. Criteria: Invitae Variant Classification Sherloc (09022015). Collection method: clinical testing. Allele origin: germline.

NM_017934.7(PHIP):c.1965C>T (p.Asp655=)

Gene: PHIP (PHIP subunit of CUL4-Ring ligase complex; minus strand). Cytogenetic location: 6q14.1.
Variant type: single nucleotide variant.
Coding change: c.1965C>T on transcript NM_017934.7 (MANE Select); coding-DNA position 1965, C replaced by T.
Protein change: p.Asp655=; no amino-acid change (aspartic acid 655 retained).
Molecular consequence: synonymous variant.
Genome position (GRCh38, 1-based): chr6:78,998,306, G>A on the plus strand (C>T on the coding strand, the complement: PHIP is on the minus strand). VCF-style: chr6-78998306-G-A. GRCh37 (hg19) VCF-style: chr6-79708023-G-A.
Other names: c.1965C>T (NM_017934.6).
Identifiers: ClinVar variation 2421823 (VCV002421823.8), dbSNP rs2482046450, ClinGen allele CA451005083.